The following is an entry in ClinVar:

NM_000443.4(ABCB4):c.3242T>C (p.Leu1081Pro)

Gene: ABCB4 (ATP binding cassette subfamily B member 4; minus strand). Cytogenetic location: 7q21.12.
Variant type: single nucleotide variant.
Coding change: c.3242T>C on transcript NM_000443.4 (MANE Select); coding-DNA position 3242, T replaced by C.
Protein change: p.Leu1081Pro; replaces leucine 1081 with proline.
Molecular consequence: missense variant.
Genome position (GRCh38, 1-based): chr7:87,408,074, A>G on the plus strand (T>C on the coding strand, the complement: ABCB4 is on the minus strand). VCF-style: chr7-87408074-A-G. GRCh37 (hg19) VCF-style: chr7-87037390-A-G.
Other names: c.3242T>C, p.Leu1081Pro (NM_018849.3); c.3101T>C, p.Leu1034Pro (NM_018850.3); short protein forms L1034P, L1081P.
Identifiers: ClinVar variation 4846524 (VCV004846524.1).

ClinVar aggregate classification (germline): Uncertain significance (1 of 4 stars; one submission).

Conditions:
Familial intrahepatic cholestasis. Identifiers: Orphanet 284385, MedGen CN296401, MONDO:0017290.

gnomAD v4.1: 1 of 1,614,140 alleles (0.000062%); highest among the groups gnomAD compares: South Asian, 0.0011%; no homozygotes.

Submission:

Genomenon, Inc
Classification: Uncertain significance for Familial intrahepatic cholestasis. Last evaluated: 2026-04-14. Review status: criteria provided, single submitter. Criteria: Genomenon Sequence Variant Interpretation Standards - Updated. Collection method: curation. Allele origin: germline. Affected: yes.
Comment: ABCB4 p.Leu1081Pro (c.3242T>C) is a missense variant that changes the amino acid at residue 1081 from Leucine to Proline. This variant has been observed in at least one proband with an ABCB4-related disorder (PMID:37697751). It is absent or not present at a significant frequency in gnomAD. In silico models predict that this variant is possibly or probably damaging. In conclusion, we classify ABCB4 p.Leu1081Pro (c.3242T>C) as a variant of uncertain significance.

Literature cited by the submitters: PubMed 37697751.